The following is an entry in ClinVar:

NM_000169.3(GLA):c.-13G>C

Genes: RPL36A-HNRNPH2 (RPL36A-HNRNPH2 readthrough; plus strand), GLA (galactosidase alpha; minus strand). Cytogenetic location: Xq22.1.
Variant type: single nucleotide variant.
Coding change: c.-13G>C on transcript NM_000169.3 (MANE Select); 13 bases upstream of the start codon, G replaced by C.
Molecular consequence: 5 prime UTR variant. On other transcripts: non-coding transcript variant (3), intron variant (2).
Genome position (GRCh38, 1-based): chrX:101,407,916, C>G on the plus strand (G>C on the coding strand, the complement: GLA is on the minus strand). VCF-style: chrX-101407916-C-G. GRCh37 (hg19) VCF-style: chrX-100662904-C-G.
Other names: c.-13G>C (NM_001406747.1, NM_001406748.1, NM_001406749.1); c.301-4020C>G (NM_001199973.2); c.178-4020C>G (NM_001199974.2).
Identifiers: ClinVar variation 379148 (VCV000379148.5), dbSNP rs782051708, ClinGen allele CA16608664.

ClinVar aggregate classification (germline): Conflicting classifications of pathogenicity. Review status: criteria provided, conflicting classifications (1 of 4 stars). 4 submissions from 4 submitters: Uncertain significance (1); Likely benign (3). Last evaluated 2025-11-17.

Conditions:
Fabry disease. Also called: Fabry's disease; ALPHA-GALACTOSIDASE A DEFICIENCY; ANDERSON-FABRY DISEASE; CERAMIDE TRIHEXOSIDASE DEFICIENCY; GLA DEFICIENCY; HEREDITARY DYSTOPIC LIPIDOSIS. Identifiers: Orphanet 324, MedGen C0002986, MONDO:0010526, OMIM 301500, HP:0001071. Disease mechanism: Fabry disease is due to inactivating mutations in the X-linked GLA gene resulting in deficiency of the enzyme Alpha Galactosidase-A., loss of function.

Allele frequency attached by ClinVar (database versions not stated): TOPMed 0.00003; gnomAD 0.00004.
gnomAD v4.1: 47 of 1,198,619 alleles (0.0039%); highest among the groups gnomAD compares: Non-Finnish European, 0.0052%; no homozygotes.

Submissions (4):

Women's Health and Genetics/Laboratory Corporation of America, LabCorp
Classification: Uncertain significance. Last evaluated: 2025-11-17. Review status: criteria provided, single submitter. Criteria: LabCorp Variant Classification Summary - May 2015. Collection method: clinical testing. Allele origin: germline.

Blueprint Genetics
Classification: Likely benign. Last evaluated: 2023-03-02. Review status: criteria provided, single submitter. Criteria: ACMG Guidelines, 2015. Collection method: clinical testing. Allele origin: germline.

Color Diagnostics, LLC DBA Color Health
Classification: Likely benign for Fabry disease. Last evaluated: 2018-11-29. Review status: criteria provided, single submitter. Criteria: ACMG Guidelines, 2015. Collection method: clinical testing. Allele origin: germline.

GeneDx
Classification: Likely benign. Last evaluated: 2015-10-14. Review status: criteria provided, single submitter. Criteria: GeneDx Variant Classification (06012015). Collection method: clinical testing. Allele origin: germline. Affected: yes.
Comment: This variant is considered likely benign or benign based on one or more of the following criteria: it is a conservative change, it occurs at a poorly conserved position in the protein, it is predicted to be benign by multiple in silico algorithms, and/or has population frequency not consistent with disease.